The following is an entry in ClinVar:

ClinVar aggregate classification (germline): Conflicting classifications of pathogenicity. Review status: criteria provided, conflicting classifications (1 of 4 stars). 10 submissions from 10 submitters: Uncertain significance (7); Likely benign (3). Last evaluated 2026-01-24.

Conditions:
Blepharocheilodontic syndrome 1 (BCDS1). Identifiers: Orphanet 1997, MedGen C4551988, MONDO:0054740, OMIM 119580.
Familial cancer of breast. Also called: BREAST CANCER, FAMILIAL; Hereditary breast cancer; hereditary breast carcinoma. Identifiers: Orphanet 227535, MedGen C0346153, MONDO:0016419, OMIM 114480. Disease mechanism: loss of function.
Endometrial carcinoma. Also called: Endometrial carcinoma, somatic. Identifiers: MedGen C0476089, MONDO:0002447, OMIM 608089, HP:0012114.
Hereditary diffuse gastric adenocarcinoma (HDGC). Also called: DIFFUSE GASTRIC AND LOBULAR BREAST CANCER SYNDROME. Identifiers: Orphanet 26106, MedGen C1708349, MONDO:0007648, OMIM 137215.
Ovarian cancer. Also called: OVARIAN CANCER, SOMATIC. Identifiers: Orphanet 213500, MedGen C1140680, MONDO:0008170, OMIM 167000.
CDH1-related diffuse gastric and lobular breast cancer syndrome. Also called: CDH1-related diffuse gastric and lobular breast cancer. Identifiers: MedGen CN311521, MONDO:0100488.
Hereditary cancer-predisposing syndrome. Also called: Neoplastic Syndromes, Hereditary; Tumor predisposition; Hereditary neoplastic syndrome; Hereditary Cancer Syndrome. Identifiers: Orphanet 140162, MedGen C0027672, MeSH D009386, MONDO:0015356.

Allele frequency attached by ClinVar (database versions not stated): gnomAD below 0.00001 and 0.00001; ExAC 0.00008; gnomAD exomes 0.00009.
gnomAD v4.1: 59 of 1,613,986 alleles (0.0037%); highest among the groups gnomAD compares: South Asian, 0.06%; 1 homozygote.

Submissions (10):

Labcorp Genetics (formerly Invitae), Labcorp
Classification: Uncertain significance for Hereditary diffuse gastric adenocarcinoma. Last evaluated: 2026-01-24. Review status: criteria provided, single submitter. Criteria: Invitae Variant Classification Sherloc (09022015). Collection method: clinical testing. Allele origin: germline.
Comment: This sequence change replaces cysteine, which is neutral and slightly polar, with serine, which is neutral and polar, at codon 163 of the CDH1 protein (p.Cys163Ser). This variant is present in population databases (rs748783182, gnomAD 0.07%), including at least one homozygous and/or hemizygous individual. This missense change has been observed in individual(s) with breast and/or ovarian cancer (PMID: 29470806). ClinVar contains an entry for this variant (Variation ID: 239907). An algorithm developed to predict the effect of missense changes on protein structure and function (PolyPhen-2) suggests that this variant is likely to be disruptive. In summary, the available evidence is currently insufficient to determine the role of this variant in disease. Therefore, it has been classified as a Variant of Uncertain Significance.

Praxis Für Humangenetik, Biosciencia MVZ Labor Saar
Classification: Uncertain significance for Hereditary diffuse gastric adenocarcinoma. Last evaluated: 2025-10-15. Review status: criteria provided, single submitter. Criteria: ACMG Guidelines, 2015. Collection method: clinical testing. Allele origin: germline. Affected: yes.

Color Diagnostics, LLC DBA Color Health
Classification: Likely benign for Hereditary cancer-predisposing syndrome. Last evaluated: 2025-03-25. Review status: criteria provided, single submitter. Criteria: ACMG Guidelines, 2015. Collection method: clinical testing. Allele origin: germline.

KCCC/NGS Laboratory, Kuwait Cancer Control Center
Classification: Uncertain significance for Hereditary diffuse gastric adenocarcinoma. Last evaluated: 2024-12-16. Review status: criteria provided, single submitter. Criteria: ACMG Guidelines, 2015. Collection method: clinical testing. Allele origin: germline. Inheritance: Autosomal dominant inheritance. Affected: yes. Observed: 1 heterozygote.
Comment: This sequence change replaces cysteine, which is neutral and slightly polar, with serine, which is neutral and polar, at codon 163 of the CDH1 protein (p.Cys163Ser). This aminoacid position is not highly conservative .This variant is present in population databases (rs748783182, gnomAD 0.07%), including at least one homozygous and/or hemizygous individual. This missense change has been observed in individual(s) with breast and/or ovarian cancer (PMID: 25275298, 29470806, 15235021, 22850631). ClinVar contains an entry for this variant (Variation ID: 239907). Computational prediction tool is conflicting for this variant. In summary, the available evidence is currently insufficient to determine the role of this variant in disease. Therefore, it has been classified as a Variant of Uncertain Significance.

Myriad Genetics, Inc.
Classification: Likely benign for Hereditary diffuse gastric adenocarcinoma. Last evaluated: 2024-09-13. Review status: criteria provided, single submitter. Criteria: Myriad Autosomal Dominant, Autosomal Recessive and X-Linked Classification Criteria (2023). Collection method: clinical testing. Allele origin: unknown.
Comment: This variant is considered likely benign. Homozygosity has been confirmed in one or more individuals. As homozygosity for pathogenic variants in this gene is generally assumed to result in embryonic lethality, this variant is unlikely to be pathogenic.

Department of Pathology and Laboratory Medicine, Sinai Health System
Classification: Uncertain significance for CDH1-related diffuse gastric and lobular breast cancer syndrome. Last evaluated: 2024-07-22. Review status: criteria provided, single submitter. Criteria: ACMG Guidelines, 2015. Collection method: clinical testing. Allele origin: germline. Affected: no.

Fulgent Genetics
Classification: Uncertain significance for Familial cancer of breast; Blepharocheilodontic syndrome 1; Hereditary diffuse gastric adenocarcinoma; Ovarian cancer; Endometrial carcinoma. Last evaluated: 2024-05-14. Review status: criteria provided, single submitter. Criteria: ACMG Guidelines, 2015. Collection method: clinical testing. Allele origin: germline.

Baylor Genetics
Classification: Uncertain significance for Familial cancer of breast. Last evaluated: 2024-03-13. Review status: criteria provided, single submitter. Criteria: ACMG Guidelines, 2015. Collection method: clinical testing. Allele origin: unknown.

GeneDx
Classification: Uncertain significance. Last evaluated: 2023-07-06. Review status: criteria provided, single submitter. Criteria: GeneDx Variant Classification Process June 2021. Collection method: clinical testing. Allele origin: germline. Affected: yes.
Comment: In silico analysis supports that this missense variant has a deleterious effect on protein structure/function; Observed in individuals with a personal and/or family history of breast and/or ovarian cancer (Singh et al., 2018); This variant is associated with the following publications: (PMID: 25275298, 29470806, 15235021, 22850631)

Ambry Genetics
Classification: Likely benign for Hereditary cancer-predisposing syndrome. Last evaluated: 2022-03-16. Review status: criteria provided, single submitter. Criteria: Ambry Variant Classification Scheme 2023. Collection method: clinical testing. Allele origin: germline.

Literature cited by the submitters: PubMed 29470806 (cited by Labcorp Genetics (formerly Invitae), Labcorp and Ambry Genetics).

NM_004360.5(CDH1):c.488G>C (p.Cys163Ser)

Gene: CDH1 (cadherin 1; plus strand). Cytogenetic location: 16q22.1.
Variant type: single nucleotide variant.
Coding change: c.488G>C on transcript NM_004360.5 (MANE Select); coding-DNA position 488, G replaced by C.
Protein change: p.Cys163Ser; replaces cysteine 163 with serine.
Molecular consequence: missense variant. On other transcripts: 5 prime UTR variant (2).
Genome position (GRCh38, 1-based): chr16:68,808,524, G>C. VCF-style: chr16-68808524-G-C. GRCh37 (hg19) VCF-style: chr16-68842427-G-C.
Other names: c.488G>C (LRG_301t1); c.488G>C, p.Cys163Ser (NM_001317184.2); c.-1128G>C (NM_001317185.2); c.-1332G>C (NM_001317186.2); short protein forms C163S.
Identifiers: ClinVar variation 239907 (VCV000239907.27), dbSNP rs748783182, ClinGen allele CA8129869.